The following is an entry in ClinVar:

NM_001077350.3(NPRL3):c.568C>T (p.Pro190Ser)

Genes: HBA-LCR (alpha-globin locus control region; plus strand), NPRL3 (NPR3 like, GATOR1 complex subunit; minus strand). Cytogenetic location: 16p13.3.
Variant type: single nucleotide variant.
Coding change: c.568C>T on transcript NM_001077350.3 (MANE Select); coding-DNA position 568, C replaced by T.
Protein change: p.Pro190Ser; replaces proline 190 with serine.
Molecular consequence: missense variant.
Genome position (GRCh38, 1-based): chr16:110,586, G>A on the plus strand (C>T on the coding strand, the complement: NPRL3 is on the minus strand). VCF-style: chr16-110586-G-A. GRCh37 (hg19) VCF-style: chr16-160584-G-A.
Other names: c.31C>T, p.Pro11Ser (NM_001039476.3); c.334C>T, p.Pro112Ser (NM_001243247.2); c.493C>T, p.Pro165Ser (NM_001243248.2, NM_001243249.2); short protein forms P165S, P190S, P11S, P112S.
Identifiers: ClinVar variation 2770150 (VCV002770150.3), dbSNP rs2542851954, ClinGen allele CA393992901.
Genomic context (GRCh38, chr16:110,586, plus strand): 5'-TGTCATAAGCTTCCTTGAGGTCCCTGGCCAGCTTGCACTTGGGCAGGATGTGATGGAATG[G>A]GGACTGAGGACCTTCATTTCCTACAAGAATCACAACACAAGATTTACAGCTCCCGGGTTC-3'
Protein context (NP_001070818.1, residues 180-200): MADGNEGPQS[Pro190Ser]FHHILPKCKL

ClinVar aggregate classification (germline): Uncertain significance (1 of 4 stars; one submission).

Conditions:
Epilepsy, familial focal, with variable foci 3 (FFEVF3). Identifiers: MedGen C4310708, MONDO:0014925, OMIM 617118.

Submission:

Labcorp Genetics (formerly Invitae), Labcorp
Classification: Uncertain significance for Epilepsy, familial focal, with variable foci 3. Last evaluated: 2023-10-19. Review status: criteria provided, single submitter. Criteria: Invitae Variant Classification Sherloc (09022015). Collection method: clinical testing. Allele origin: germline.
Comment: This sequence change replaces proline, which is neutral and non-polar, with serine, which is neutral and polar, at codon 190 of the NPRL3 protein (p.Pro190Ser). This variant is not present in population databases (gnomAD no frequency). This variant has not been reported in the literature in individuals affected with NPRL3-related conditions. Advanced modeling of protein sequence and biophysical properties (such as structural, functional, and spatial information, amino acid conservation, physicochemical variation, residue mobility, and thermodynamic stability) performed at Invitae indicates that this missense variant is not expected to disrupt NPRL3 protein function. In summary, the available evidence is currently insufficient to determine the role of this variant in disease. Therefore, it has been classified as a Variant of Uncertain Significance.